The following is an entry in ClinVar:

NM_000218.3(KCNQ1):c.1164C>T (p.Asp388=)

Gene: KCNQ1 (potassium voltage-gated channel subfamily Q member 1; plus strand). Cytogenetic location: 11p15.5.
Variant type: single nucleotide variant.
Coding change: c.1164C>T on transcript NM_000218.3 (MANE Select); coding-DNA position 1164, C replaced by T.
Protein change: p.Asp388=; no amino-acid change (aspartic acid 388 retained).
Molecular consequence: synonymous variant.
Genome position (GRCh38, 1-based): chr11:2,587,605, C>T. VCF-style: chr11-2587605-C-T. GRCh37 (hg19) VCF-style: chr11-2608835-C-T.
Other names: c.1068C>T, p.Asp356= (NM_001406836.1); c.894C>T, p.Asp298= (NM_001406837.1); c.624C>T, p.Asp208= (NM_001406838.1); c.783C>T, p.Asp261= (NM_181798.2).
Identifiers: ClinVar variation 918195 (VCV000918195.14), dbSNP rs555968887, ClinGen allele CA216332699.

ClinVar aggregate classification (germline): Likely benign. Review status: criteria provided, multiple submitters, no conflicts (2 of 4 stars). 3 submissions from 3 submitters: Likely benign (3). Last evaluated 2025-05-29.

Conditions:
Long QT syndrome (LQTS). Identifiers: MedGen C0023976, MeSH D008133, MONDO:0002442. Disease mechanism: loss of function. Inheritance: Various modes of inheritance.
Cardiac arrhythmia. Also called: Cardiac rhythm disease; Arrhythmia. Identifiers: MedGen C0003811, MONDO:0007263, HP:0011675.

Allele frequency attached by ClinVar (database versions not stated): TOPMed below 0.00001; gnomAD 0.00001; gnomAD exomes 0.00001; 1000 Genomes Project 0.00020; 1000 Genomes Project 30x 0.00031.
gnomAD v4.1: 9 of 1,613,912 alleles (0.00056%); highest among the groups gnomAD compares: Middle Eastern, 0.016%; no homozygotes.

Submissions (3):

Labcorp Genetics (formerly Invitae), Labcorp
Classification: Likely benign for Long QT syndrome. Last evaluated: 2025-05-29. Review status: criteria provided, single submitter. Criteria: Invitae Variant Classification Sherloc (09022015). Collection method: clinical testing. Allele origin: germline.

All of Us Research Program, National Institutes of Health
Classification: Likely benign for Long QT syndrome. Last evaluated: 2023-05-31. Review status: criteria provided, single submitter. Criteria: ACMG Guidelines, 2015. Collection method: clinical testing. Allele origin: germline. Inheritance: Autosomal dominant inheritance. Observed: 1 variant allele, 1 heterozygote.
Comment: This study involves interpretation of variants in research participants for the purpose of population health screening. Participant phenotype was not available at the time of variant classification. Additional details can be found in publication PMID: 35346344, PMCID: PMC8962531

Color Diagnostics, LLC DBA Color Health
Classification: Likely benign for Arrhythmia. Last evaluated: 2019-07-09. Review status: criteria provided, single submitter. Criteria: ACMG Guidelines, 2015. Collection method: clinical testing. Allele origin: germline.